The following is an entry in ClinVar:

ClinVar aggregate classification (germline): Uncertain significance (1 of 4 stars; one submission).

Conditions:
Hereditary cancer-predisposing syndrome. Also called: Neoplastic Syndromes, Hereditary; Tumor predisposition; Hereditary neoplastic syndrome; Hereditary Cancer Syndrome. Identifiers: Orphanet 140162, MedGen C0027672, MeSH D009386, MONDO:0015356.

gnomAD v4.1: 1 of 1,613,754 alleles (0.000062%); highest among the groups gnomAD compares: Admixed American, 0.0017%; no homozygotes.

Submission:

Ambry Genetics
Classification: Uncertain significance for Hereditary cancer-predisposing syndrome. Last evaluated: 2026-08-15. Review status: criteria provided, single submitter. Criteria: Ambry Variant Classification Scheme 2023. Collection method: clinical testing. Allele origin: germline.
Comment: The p.I979M variant (also known as c.2937T>G), located in coding exon 12 of the MET gene, results from a T to G substitution at nucleotide position 2937. The isoleucine at codon 979 is replaced by methionine, an amino acid with highly similar properties. This amino acid position is conserved. In addition, this alteration is predicted to be tolerated by in silico analysis. Based on the available evidence, the clinical significance of this variant remains unclear.

NM_000245.4(MET):c.2883T>G (p.Ile961Met)

Gene: MET (MET proto-oncogene, receptor tyrosine kinase; plus strand). Cytogenetic location: 7q31.2.
Variant type: single nucleotide variant.
Coding change: c.2883T>G on transcript NM_000245.4 (MANE Select); coding-DNA position 2883, T replaced by G.
Protein change: p.Ile961Met; replaces isoleucine 961 with methionine.
Molecular consequence: missense variant.
Genome position (GRCh38, 1-based): chr7:116,771,650, T>G. VCF-style: chr7-116771650-T-G. GRCh37 (hg19) VCF-style: chr7-116411704-T-G.
Other names: c.2937T>G, p.Ile979Met (NM_001127500.3); c.1593T>G, p.Ile531Met (NM_001324402.2); short protein forms I961M, I531M, I979M.
Identifiers: ClinVar variation 5024312 (VCV005024312.1).